The following is an entry in ClinVar:

ClinVar aggregate classification (germline): Uncertain significance (1 of 4 stars; one submission).

Submission:

Labcorp Genetics (formerly Invitae), Labcorp
Classification: Uncertain significance. Last evaluated: 2024-11-19. Review status: criteria provided, single submitter. Criteria: Invitae Variant Classification Sherloc (09022015). Collection method: clinical testing. Allele origin: germline.
Comment: This sequence change replaces arginine, which is basic and polar, with leucine, which is neutral and non-polar, at codon 8 of the ARL3 protein (p.Arg8Leu). Information on the frequency of this variant in the gnomAD database is not available, as this variant may be reported differently in the database. This variant has not been reported in the literature in individuals affected with ARL3-related conditions. An algorithm developed to predict the effect of missense changes on protein structure and function (PolyPhen-2) suggests that this variant is likely to be disruptive. In summary, the available evidence is currently insufficient to determine the role of this variant in disease. Therefore, it has been classified as a Variant of Uncertain Significance.

NM_004311.4(ARL3):c.23_24delinsTT (p.Arg8Leu)

Gene: ARL3 (ARF like GTPase 3; minus strand). Cytogenetic location: 10q24.32.
Variant type: Indel.
Coding change: c.23_24delinsTT on transcript NM_004311.4 (MANE Select); coding-DNA positions 23 to 24, GC replaced by TT.
Protein change: p.Arg8Leu; replaces arginine 8 with leucine.
Molecular consequence: missense variant.
Genome position (GRCh38, 1-based): chr10:102,705,469-102,705,470, GC replaced by AA on the plus strand (GC replaced by TT on the coding strand, the reverse complement: ARL3 is on the minus strand). VCF-style: chr10-102705469-GC-AA. GRCh37 (hg19) VCF-style: chr10-104465226-GC-AA.
Other names: short protein forms R8L.
Identifiers: ClinVar variation 3669669 (VCV003669669.2).
Genomic context (GRCh38, chr10:102,705,469, plus strand): 5'-AGCATTATCCAAGCCCAGGAGAAGTATTCTCACCTCCTGGTCTGGTGCACTTTTCAACTT[GC>AA]GCAAAATTGAGAGCAAGCCCTTCAACAACCACAAAGGAGACAGATTACTCTGGGGGCACT-3'
Protein context (NP_004302.1, residues 1-18): MGLLSIL[Arg8Leu]KLKSAPDQEV